The following is an entry in ClinVar:

NM_001386135.1(AFF3):c.922-10C>T

Gene: AFF3 (ALF transcription elongation factor 3; minus strand). Cytogenetic location: 2q11.2.
Variant type: single nucleotide variant.
Coding change: c.922-10C>T on transcript NM_001386135.1 (MANE Select); 10 bases into the intron before coding-DNA position 922, C replaced by T.
Molecular consequence: intron variant.
Genome position (GRCh38, 1-based): chr2:99,752,311, G>A on the plus strand (C>T on the coding strand, the complement: AFF3 is on the minus strand). VCF-style: chr2-99752311-G-A. GRCh37 (hg19) VCF-style: chr2-100368773-G-A.
Other names: c.922-10C>T (NM_002285.3); c.997-10C>T (NM_001025108.2).
Identifiers: ClinVar variation 3050483 (VCV003050483.2), dbSNP rs375699369, ClinGen allele CA1801367.

ClinVar aggregate classification (germline): Benign (0 of 4 stars; one submission).

Conditions:
AFF3-related disorder. Also called: AFF3-related condition.

Allele frequency attached by ClinVar (database versions not stated): ESP Exome Variant Server 0.00008; TOPMed 0.00009; gnomAD 0.00042; gnomAD exomes 0.00065; ExAC 0.00165; 1000 Genomes Project 0.00359; 1000 Genomes Project 30x 0.00375.
gnomAD v4.1: 1,004 of 1,611,360 alleles (0.062%); highest among the groups gnomAD compares: South Asian, 1%; 22 homozygotes.

Submission:

PreventionGenetics, part of Exact Sciences
Classification: Benign for AFF3-related condition. Last evaluated: 2019-07-22. Review status: no assertion criteria provided. Collection method: clinical testing. Allele origin: germline.
Comment: This variant is classified as benign based on ACMG/AMP sequence variant interpretation guidelines (Richards et al. 2015 PMID: 25741868, with internal and published modifications).